The following is an entry in ClinVar:

NM_001376.5(DYNC1H1):c.8734T>C (p.Phe2912Leu)

Gene: DYNC1H1 (dynein cytoplasmic 1 heavy chain 1; plus strand). Cytogenetic location: 14q32.31.
Variant type: single nucleotide variant.
Coding change: c.8734T>C on transcript NM_001376.5 (MANE Select); coding-DNA position 8734, T replaced by C.
Protein change: p.Phe2912Leu; replaces phenylalanine 2912 with leucine.
Molecular consequence: missense variant.
Genome position (GRCh38, 1-based): chr14:102,026,670, T>C. VCF-style: chr14-102026670-T-C. GRCh37 (hg19) VCF-style: chr14-102493007-T-C.
Other names: short protein forms F2912L.
Identifiers: ClinVar variation 1988050 (VCV001988050.6), dbSNP rs2503801576, ClinGen allele CA391009230.
Genomic context (GRCh38, chr14:102,026,670, plus strand): 5'-TATGTCAAAGCTAGGCTGAAGGTCTTTTATGAAGAAGAACTTGATGTTCCGCTGGTGCTG[T>C]TTAATGAAGTCCTAGACCACGTGCTGAGGATTGACAGGTGGGCTTTTTTGTTGTTACAGC-3'
Protein context (NP_001367.2, residues 2902-2922): EEELDVPLVL[Phe2912Leu]NEVLDHVLRI

ClinVar aggregate classification (germline): Uncertain significance. Review status: criteria provided, multiple submitters, no conflicts (2 of 4 stars). 2 submissions from 2 submitters: Uncertain significance (2). Last evaluated 2024-01-24.

Conditions:
Charcot-Marie-Tooth disease axonal type 2O. Also called: CHARCOT-MARIE-TOOTH NEUROPATHY, AXONAL, TYPE 2O; CHARCOT-MARIE-TOOTH DISEASE, AXONAL, AUTOSOMAL DOMINANT, TYPE 2O; Charcot-Marie-Tooth Neuropathy Type 2O; Charcot-Marie-Tooth disease, axonal, type 20. Identifiers: Orphanet 284232, MedGen C3280220, MONDO:0013644, OMIM 614228.

Allele frequency attached by ClinVar (database versions not stated): gnomAD exomes below 0.00001.
gnomAD v4.1: 1 of 1,614,220 alleles (0.000062%); highest among the groups gnomAD compares: African/African-American, 0.0013%; no homozygotes.

Submissions (2):

GeneDx
Classification: Uncertain significance. Last evaluated: 2024-01-24. Review status: criteria provided, single submitter. Criteria: GeneDx Variant Classification Process June 2021. Collection method: clinical testing. Allele origin: germline.
Comment: Not observed at significant frequency in large population cohorts (gnomAD); In silico analysis supports that this missense variant has a deleterious effect on protein structure/function; Has not been previously published as pathogenic or benign to our knowledge; This variant is associated with the following publications: (PMID: 25512093, 25609763, 26100331)

Labcorp Genetics (formerly Invitae), Labcorp
Classification: Uncertain significance for Charcot-Marie-Tooth disease axonal type 2O. Last evaluated: 2022-10-10. Review status: criteria provided, single submitter. Criteria: Invitae Variant Classification Sherloc (09022015). Collection method: clinical testing. Allele origin: germline.
Comment: This variant has not been reported in the literature in individuals affected with DYNC1H1-related conditions. This variant is not present in population databases (gnomAD no frequency). This sequence change replaces phenylalanine, which is neutral and non-polar, with leucine, which is neutral and non-polar, at codon 2912 of the DYNC1H1 protein (p.Phe2912Leu). In summary, the available evidence is currently insufficient to determine the role of this variant in disease. Therefore, it has been classified as a Variant of Uncertain Significance. Advanced modeling of protein sequence and biophysical properties (such as structural, functional, and spatial information, amino acid conservation, physicochemical variation, residue mobility, and thermodynamic stability) has been performed at Invitae for this missense variant, however the output from this modeling did not meet the statistical confidence thresholds required to predict the impact of this variant on DYNC1H1 protein function.